The following is an entry in ClinVar:

NM_000405.4(GM2A):c.-44G>A

Gene: GM2A (ganglioside GM2 activator; plus strand). Cytogenetic location: 5q33.1.
Variant type: single nucleotide variant.
Coding change: c.-44G>A on transcript NM_000405.4; 44 bases upstream of the start codon, G replaced by A.
Genome position (GRCh38, 1-based): chr5:151,253,173, G>A. VCF-style: chr5-151253173-G-A. GRCh37 (hg19) VCF-style: chr5-150632734-G-A.
Identifiers: ClinVar variation 352250 (VCV000352250.7), dbSNP rs144932594, ClinGen allele CA3517808.

ClinVar aggregate classification (germline): Benign (1 of 4 stars; one submission).

Conditions:
Tay-Sachs disease, variant AB. Also called: Gm2-gangliosidosis, ab variant; GM2 Activator Deficiency. Identifiers: Orphanet 309246, MedGen C0268275, MONDO:0010099, OMIM 272750.

Allele frequency attached by ClinVar (database versions not stated): gnomAD exomes 0.00282; ExAC 0.00335; gnomAD 0.01013; ESP Exome Variant Server 0.01015; 1000 Genomes Project 0.01158; TOPMed 0.01190; 1000 Genomes Project 30x 0.01280.

Submission:

Illumina Laboratory Services, Illumina
Classification: Benign for Tay-Sachs disease, variant AB. Last evaluated: 2018-01-12. Review status: criteria provided, single submitter. Criteria: ICSL Variant Classification Criteria 13 December 2019. Collection method: clinical testing. Allele origin: germline.
Comment: This variant was observed in the ICSL laboratory as part of a predisposition screen in an ostensibly healthy population. It had not been previously curated by ICSL or reported in the Human Gene Mutation Database (HGMD: prior to June 1st, 2018), and was therefore a candidate for classification through an automated scoring system. Utilizing variant allele frequency, disease prevalence and penetrance estimates, and inheritance mode, an automated score was calculated to assess if this variant is too frequent to cause the disease. Based on the score and internal cut-off values, a variant classified as benign is not then subjected to further curation. The score for this variant resulted in a classification of benign for this disease.